The following is an entry in ClinVar:

ClinVar aggregate classification (germline): Uncertain significance (1 of 4 stars; one submission).

Conditions:
Perlman syndrome (PRLMNS). Identifiers: Orphanet 2849, MedGen C0796113, MONDO:0009965, OMIM 267000.

Allele frequency attached by ClinVar (database versions not stated): ExAC 0.00001.
gnomAD v4.1: 2 of 1,614,214 alleles (0.00012%); highest among the groups gnomAD compares: African/African-American, 0.0013%; no homozygotes.

Submission:

Labcorp Genetics (formerly Invitae), Labcorp
Classification: Uncertain significance for Perlman syndrome. Last evaluated: 2023-10-09. Review status: criteria provided, single submitter. Criteria: Invitae Variant Classification Sherloc (09022015). Collection method: clinical testing. Allele origin: germline.
Comment: This sequence change replaces serine, which is neutral and polar, with asparagine, which is neutral and polar, at codon 499 of the DIS3L2 protein (p.Ser499Asn). This variant is present in population databases (rs772228583, gnomAD 0.007%). This variant has not been reported in the literature in individuals affected with DIS3L2-related conditions. Advanced modeling of protein sequence and biophysical properties (such as structural, functional, and spatial information, amino acid conservation, physicochemical variation, residue mobility, and thermodynamic stability) performed at Invitae indicates that this missense variant is not expected to disrupt DIS3L2 protein function. In summary, the available evidence is currently insufficient to determine the role of this variant in disease. Therefore, it has been classified as a Variant of Uncertain Significance.

NM_152383.5(DIS3L2):c.1496G>A (p.Ser499Asn)

Gene: DIS3L2 (DIS3 like 3'-5' exoribonuclease 2; plus strand). Cytogenetic location: 2q37.1.
Variant type: single nucleotide variant.
Coding change: c.1496G>A on transcript NM_152383.5 (MANE Select); coding-DNA position 1496, G replaced by A.
Protein change: p.Ser499Asn; replaces serine 499 with asparagine.
Molecular consequence: missense variant. On other transcripts: non-coding transcript variant (2).
Genome position (GRCh38, 1-based): chr2:232,263,277, G>A. VCF-style: chr2-232263277-G-A. GRCh37 (hg19) VCF-style: chr2-233127987-G-A.
Other names: c.1496G>A, p.Ser499Asn (NM_001257281.2); short protein forms S499N.
Identifiers: ClinVar variation 2895612 (VCV002895612.3), dbSNP rs772228583, ClinGen allele CA2164171.
Genomic context (GRCh38, chr2:232,263,277, plus strand): 5'-AATGGTTTGGCCGGACCATCATCCGCTCCTGCACCAAACTTAGCTACGAGCATGCACAGA[G>A]CATGATTGAAAGCCCAACTGAGAAAATCCCTGCGAAAGAGCTGCCCCCCATTTCCCCAGA-3'
Protein context (NP_689596.4, residues 489-509): CTKLSYEHAQ[Ser499Asn]MIESPTEKIP